The following is an entry in ClinVar:

NM_199420.4(POLQ):c.6547G>A (p.Val2183Ile)

Gene: POLQ (DNA polymerase theta; minus strand). Cytogenetic location: 3q13.33.
Variant type: single nucleotide variant.
Coding change: c.6547G>A on transcript NM_199420.4 (MANE Select); coding-DNA position 6547, G replaced by A.
Protein change: p.Val2183Ile; replaces valine 2183 with isoleucine.
Molecular consequence: missense variant.
Genome position (GRCh38, 1-based): chr3:121,472,161, C>T on the plus strand (G>A on the coding strand, the complement: POLQ is on the minus strand). VCF-style: chr3-121472161-C-T. GRCh37 (hg19) VCF-style: chr3-121191008-C-T.
Other names: short protein forms V2183I.
Identifiers: ClinVar variation 3037393 (VCV003037393.2), dbSNP rs3218648, ClinGen allele CA2562424.

ClinVar aggregate classification (germline): Benign (0 of 4 stars; one submission).

Conditions:
POLQ-related disorder. Also called: POLQ-related condition.

Allele frequency attached by ClinVar (database versions not stated): gnomAD exomes 0.00121; ExAC 0.00417; 1000 Genomes Project 0.01338; 1000 Genomes Project 30x 0.01390; gnomAD 0.01404; TOPMed 0.01513; ESP Exome Variant Server 0.01653.
gnomAD v4.1: 3,716 of 1,415,738 alleles (0.26%); highest among the groups gnomAD compares: African/African-American, 4.8%; 88 homozygotes.

Submission:

PreventionGenetics, part of Exact Sciences
Classification: Benign for POLQ-related condition. Last evaluated: 2019-07-30. Review status: no assertion criteria provided. Collection method: clinical testing. Allele origin: germline.
Comment: This variant is classified as benign based on ACMG/AMP sequence variant interpretation guidelines (Richards et al. 2015 PMID: 25741868, with internal and published modifications).